The following is an entry in ClinVar:

ClinVar aggregate classification (germline): Uncertain significance (1 of 4 stars; one submission).

Submission:

Labcorp Genetics (formerly Invitae), Labcorp
Classification: Uncertain significance. Last evaluated: 2024-08-01. Review status: criteria provided, single submitter. Criteria: Invitae Variant Classification Sherloc (09022015). Collection method: clinical testing. Allele origin: germline.
Comment: This variant, c.589_591del, results in the deletion of 1 amino acid(s) of the COL7A1 protein (p.Phe197del), but otherwise preserves the integrity of the reading frame. This variant is present in population databases (rs758155857, gnomAD 0.05%). This variant has not been reported in the literature in individuals affected with COL7A1-related conditions. Experimental studies and prediction algorithms are not available or were not evaluated, and the functional significance of this variant is currently unknown. In summary, the available evidence is currently insufficient to determine the role of this variant in disease. Therefore, it has been classified as a Variant of Uncertain Significance.

NM_000094.4(COL7A1):c.580TTC[3] (p.Phe197del)

Gene: COL7A1 (collagen type VII alpha 1 chain; minus strand). Cytogenetic location: 3p21.31.
Variant type: Microsatellite.
Coding change: c.580TTC[3] on transcript NM_000094.4 (MANE Select); three copies in a row of the 3-base unit TTC starting at c.580; the reference has four copies in a row; one copy, 3 bases deleted.
Protein change: p.Phe197del; deletes phenylalanine 197.
Molecular consequence: inframe deletion.
Genome position (GRCh38, 1-based): chr3:48,593,193-48,593,195, GAA deleted on the plus strand (TTC on the coding strand, the reverse complement: COL7A1 is on the minus strand); deleting any 3 consecutive bases within chr3:48,593,193-48,593,205 gives the same sequence; the position shown is the placement nearest the transcript's 3' end. VCF-style (leftmost placement, unchanged base first): chr3-48593192-CGAA-C. GRCh37 (hg19) VCF-style: chr3-48630625-CGAA-C.
Other names: short protein forms F197del.
Identifiers: ClinVar variation 2054545 (VCV002054545.2), dbSNP rs543646523, ClinGen allele CA2381507.